The following is an entry in ClinVar:

NM_001302371.3(NBPF10):c.1771C>A (p.Gln591Lys)

Gene: NBPF10 (NBPF member 10; minus strand). Cytogenetic location: 1q21.1.
Variant type: single nucleotide variant.
Coding change: c.1771C>A on transcript NM_001302371.3 (MANE Select); coding-DNA position 1771, C replaced by A.
Protein change: p.Gln591Lys; replaces glutamine 591 with lysine.
Molecular consequence: missense variant.
Genome position (GRCh38, 1-based): chr1:146,128,149, G>T on the plus strand (C>A on the coding strand, the complement: NBPF10 is on the minus strand). VCF-style: chr1-146128149-G-T. GRCh37 (hg19) VCF-style: chr1-145310033-C-A.
Other names: c.1771C>A, p.Gln591Lys (NM_001039703.6); short protein forms Q591K.
Identifiers: ClinVar variation 2639089 (VCV002639089.24), dbSNP rs782751843, ClinGen allele CA1051787.
Genomic context (GRCh38, chr1:146,128,149, plus strand): 5'-GCTTTATCACCTTCACAATGGAGTACTCACTGCCTATGTCAACAGCCATGCAGACTTGCT[G>T]TTCCTCTAATGAGTGAAATGTGCTGCTGTAAGACTGGTACGAGGCCAACATTTCAGGAGG-3'
Protein context (NP_001289300.1, residues 581-601): YSSTFHSLEE[Gln591Lys]QVCMAVDIGR

ClinVar aggregate classification (germline): Likely benign (1 of 4 stars; one submission).

Allele frequency attached by ClinVar (database versions not stated): ExAC 0.00005.

Submission:

CeGaT Center for Human Genetics Tuebingen
Classification: Likely benign. Last evaluated: 2022-09-01. Review status: criteria provided, single submitter. Criteria: CeGaT Center For Human Genetics Tuebingen Variant Classification Criteria Version 2. Collection method: clinical testing. Allele origin: germline. Affected: yes. Observed: 1 variant allele.
Comment: NBPF10: BP4